The following is an entry in ClinVar:

ClinVar aggregate classification (germline): Uncertain significance. Review status: criteria provided, multiple submitters, no conflicts (2 of 4 stars). 2 submissions from 2 submitters: Uncertain significance (2). Last evaluated 2025-06-30.

Conditions:
Inborn genetic diseases. Identifiers: MedGen C0950123, MeSH D030342.

gnomAD v4.1: 2 of 1,614,194 alleles (0.00012%); highest among the groups gnomAD compares: Non-Finnish European, 0.00017%; no homozygotes.

Submissions (2):

Ambry Genetics
Classification: Uncertain significance for Inborn genetic diseases. Last evaluated: 2025-06-30. Review status: criteria provided, single submitter. Criteria: Ambry Variant Classification Scheme 2023. Collection method: clinical testing. Allele origin: germline.

GeneDx
Classification: Uncertain significance. Last evaluated: 2023-06-15. Review status: criteria provided, single submitter. Criteria: GeneDx Variant Classification Process June 2021. Collection method: clinical testing. Allele origin: germline. Affected: yes.
Comment: Not observed at significant frequency in large population cohorts (gnomAD); In silico analysis supports that this missense variant does not alter protein structure/function; Has not been previously published as pathogenic or benign to our knowledge

NM_152641.4(ARID2):c.4199A>G (p.Asp1400Gly)

Gene: ARID2 (AT-rich interaction domain 2; plus strand). Cytogenetic location: 12q12.
Variant type: single nucleotide variant.
Coding change: c.4199A>G on transcript NM_152641.4 (MANE Select); coding-DNA position 4199, A replaced by G.
Protein change: p.Asp1400Gly; replaces aspartic acid 1400 with glycine.
Molecular consequence: missense variant.
Genome position (GRCh38, 1-based): chr12:45,852,322, A>G. VCF-style: chr12-45852322-A-G. GRCh37 (hg19) VCF-style: chr12-46246105-A-G.
Other names: c.4199A>G, p.Asp1400Gly (NM_001347839.2); short protein forms D1400G.
Identifiers: ClinVar variation 3359966 (VCV003359966.2).